The following is an entry in ClinVar:

ClinVar aggregate classification (germline): Uncertain significance. Review status: criteria provided, multiple submitters, no conflicts (2 of 4 stars). 2 submissions from 2 submitters: Uncertain significance (2). Last evaluated 2025-08-23.

Conditions:
Inborn genetic diseases. Identifiers: MedGen C0950123, MeSH D030342.

Allele frequency attached by ClinVar (database versions not stated): gnomAD exomes 0.00001; ExAC 0.00002; TOPMed 0.00002; gnomAD 0.00003; ESP Exome Variant Server 0.00008.
gnomAD v4.1: 16 of 1,611,766 alleles (0.00099%); highest among the groups gnomAD compares: East Asian, 0.013%; no homozygotes.

Submissions (2):

Ambry Genetics
Classification: Uncertain significance for Inborn genetic diseases. Last evaluated: 2025-08-23. Review status: criteria provided, single submitter. Criteria: Ambry Variant Classification Scheme 2023. Collection method: clinical testing. Allele origin: germline.

Labcorp Genetics (formerly Invitae), Labcorp
Classification: Uncertain significance. Last evaluated: 2022-11-17. Review status: criteria provided, single submitter. Criteria: Invitae Variant Classification Sherloc (09022015). Collection method: clinical testing. Allele origin: germline.
Comment: This variant has not been reported in the literature in individuals affected with CRB2-related conditions. In summary, the available evidence is currently insufficient to determine the role of this variant in disease. Therefore, it has been classified as a Variant of Uncertain Significance. Advanced modeling of protein sequence and biophysical properties (such as structural, functional, and spatial information, amino acid conservation, physicochemical variation, residue mobility, and thermodynamic stability) performed at Invitae indicates that this missense variant is expected to disrupt CRB2 protein function. This variant is present in population databases (rs370576192, gnomAD 0.01%). This sequence change replaces proline, which is neutral and non-polar, with leucine, which is neutral and non-polar, at codon 98 of the CRB2 protein (p.Pro98Leu).

NM_173689.7(CRB2):c.293C>T (p.Pro98Leu)

Gene: CRB2 (crumbs cell polarity complex component 2; plus strand). Cytogenetic location: 9q33.3.
Variant type: single nucleotide variant.
Coding change: c.293C>T on transcript NM_173689.7 (MANE Select); coding-DNA position 293, C replaced by T.
Protein change: p.Pro98Leu; replaces proline 98 with leucine.
Molecular consequence: missense variant.
Genome position (GRCh38, 1-based): chr9:123,363,063, C>T. VCF-style: chr9-123363063-C-T. GRCh37 (hg19) VCF-style: chr9-126125342-C-T.
Other names: c.293C>T (NM_173689.5); short protein forms P98L.
Identifiers: ClinVar variation 3018300 (VCV003018300.4), dbSNP rs370576192, ClinGen allele CA5231598.